The following is an entry in ClinVar:

ClinVar aggregate classification (germline): Uncertain significance. Review status: criteria provided, multiple submitters, no conflicts (2 of 4 stars). 2 submissions from 2 submitters: Uncertain significance (2). Last evaluated 2026-03-15.

Conditions:
Hereditary cancer-predisposing syndrome. Also called: Tumor predisposition; Hereditary Cancer Syndrome; Hereditary neoplastic syndrome; Neoplastic Syndromes, Hereditary. Identifiers: Orphanet 140162, MedGen C0027672, MeSH D009386, MONDO:0015356.
Birt-Hogg-Dube syndrome. Also called: Birt Hogg Dubé syndrome. Identifiers: Orphanet 122, MedGen C0346010, MONDO:0800444.

Submissions (2):

Ambry Genetics
Classification: Uncertain significance for Hereditary cancer-predisposing syndrome. Last evaluated: 2026-03-15. Review status: criteria provided, single submitter. Criteria: Ambry Variant Classification Scheme 2023. Collection method: clinical testing. Allele origin: germline.
Comment: The p.V441I variant (also known as c.1321G>A), located in coding exon 9 of the FLCN gene, results from a G to A substitution at nucleotide position 1321. The valine at codon 441 is replaced by isoleucine, an amino acid with highly similar properties. This amino acid position is conserved. In addition, this alteration is predicted to be tolerated by in silico analysis. Based on the available evidence, the clinical significance of this variant remains unclear.

Labcorp Genetics (formerly Invitae), Labcorp
Classification: Uncertain significance for Birt-Hogg-Dube syndrome. Last evaluated: 2022-04-20. Review status: criteria provided, single submitter. Criteria: Invitae Variant Classification Sherloc (09022015). Collection method: clinical testing. Allele origin: germline.
Comment: This variant has not been reported in the literature in individuals affected with FLCN-related conditions. Algorithms developed to predict the effect of missense changes on protein structure and function (SIFT, PolyPhen-2, Align-GVGD) all suggest that this variant is likely to be tolerated. In summary, the available evidence is currently insufficient to determine the role of this variant in disease. Therefore, it has been classified as a Variant of Uncertain Significance. This variant is not present in population databases (gnomAD no frequency). This sequence change replaces valine, which is neutral and non-polar, with isoleucine, which is neutral and non-polar, at codon 441 of the FLCN protein (p.Val441Ile).

NM_144997.7(FLCN):c.1321G>A (p.Val441Ile)

Gene: FLCN (folliculin; minus strand). Cytogenetic location: 17p11.2.
Variant type: single nucleotide variant.
Coding change: c.1321G>A on transcript NM_144997.7 (MANE Select); coding-DNA position 1321, G replaced by A.
Protein change: p.Val441Ile; replaces valine 441 with isoleucine.
Molecular consequence: missense variant.
Genome position (GRCh38, 1-based): chr17:17,215,296, C>T on the plus strand (G>A on the coding strand, the complement: FLCN is on the minus strand). VCF-style: chr17-17215296-C-T. GRCh37 (hg19) VCF-style: chr17-17118610-C-T.
Other names: c.1375G>A, p.Val459Ile (NM_001353229.2); c.1321G>A, p.Val441Ile (NM_001353230.2, NM_001353231.2); short protein forms V441I, V459I.
Identifiers: ClinVar variation 2128374 (VCV002128374.5), dbSNP rs2544148560, ClinGen allele CA398531473.
Genomic context (GRCh38, chr17:17,215,296, plus strand): 5'-TGAGAGACTGGTCATCCTCACACCCCACAGGGTGGAGGGTGGAACGTGCGGCTGCGTGGA[C>T]CTCCACGATGACAGCAAACTCTGTAACAACACAAGGCCCGTGGCTCCTCATCTCCCCCAT-3'
Protein context (NP_659434.2, residues 431-451): LSSEFAVIVE[Val441Ile]HAAARSTLHP